The following is an entry in ClinVar:

ClinVar aggregate classification (germline): Uncertain significance (1 of 4 stars; one submission).

Conditions:
Dilated cardiomyopathy 1O (CMD1O). Also called: CARDIOMYOPATHY, DILATED, WITH VENTRICULAR TACHYCARDIA. Identifiers: Orphanet 154, MedGen C1837839, MONDO:0012062, OMIM 608569.

Submission:

Labcorp Genetics (formerly Invitae), Labcorp
Classification: Uncertain significance for Dilated cardiomyopathy 1O. Last evaluated: 2025-11-12. Review status: criteria provided, single submitter. Criteria: Invitae Variant Classification Sherloc (09022015). Collection method: clinical testing. Allele origin: germline.
Comment: This sequence change replaces glutamine, which is neutral and polar, with histidine, which is basic and polar, at codon 1301 of the ABCC9 protein (p.Gln1301His). This variant is not present in population databases (gnomAD no frequency). This variant has not been reported in the literature in individuals affected with ABCC9-related conditions. Invitae Evidence Modeling of protein sequence and biophysical properties (such as structural, functional, and spatial information, amino acid conservation, physicochemical variation, residue mobility, and thermodynamic stability) indicates that this missense variant is expected to disrupt ABCC9 protein function with a positive predictive value of 80%. In summary, the available evidence is currently insufficient to determine the role of this variant in disease. Therefore, it has been classified as a Variant of Uncertain Significance.

NM_020297.4(ABCC9):c.3903A>C (p.Gln1301His)

Genes: ABCC9 (ATP binding cassette subfamily C member 9; minus strand), KCNJ8-AS1 (KCNJ8 antisense RNA 1; plus strand). Cytogenetic location: 12p12.1.
Variant type: single nucleotide variant.
Coding change: c.3903A>C on transcript NM_020297.4 (MANE Select); coding-DNA position 3903, A replaced by C.
Protein change: p.Gln1301His; replaces glutamine 1301 with histidine.
Molecular consequence: missense variant.
Genome position (GRCh38, 1-based): chr12:21,815,883, T>G on the plus strand (A>C on the coding strand, the complement: ABCC9 is on the minus strand). VCF-style: chr12-21815883-T-G. GRCh37 (hg19) VCF-style: chr12-21968817-T-G.
Other names: c.3903A>C, p.Gln1301His (NM_001377273.1, NM_005691.4); c.3036A>C, p.Gln1012His (NM_001377274.1); short protein forms Q1012H, Q1301H.
Identifiers: ClinVar variation 4745798 (VCV004745798.1).
Genomic context (GRCh38, chr12:21,815,883, plus strand): 5'-ATATCTGACACACAGATCATGTATCTTGATCTCCCCTTCTTGTGGCCAATGTTCTGGAAC[T>G]TGAGAAGGATCTGGAGGATGGGATGGGGAAATAGACAGATAATAGGCAGATAGAGATTGA-3'
Protein context (NP_064693.2, residues 1291-1311): ENYEGTMDPS[Gln1301His]VPEHWPQEGE